The following is an entry in ClinVar:

ClinVar aggregate classification (germline): Likely benign. Review status: criteria provided, multiple submitters, no conflicts (2 of 4 stars). 4 submissions from 4 submitters: Likely benign (4). Last evaluated 2021-11-24.

Conditions:
Hereditary cancer-predisposing syndrome. Also called: Hereditary Cancer Syndrome; Neoplastic Syndromes, Hereditary; Tumor predisposition; Hereditary neoplastic syndrome. Identifiers: Orphanet 140162, MedGen C0027672, MeSH D009386, MONDO:0015356.
Familial cancer of breast. Also called: BREAST CANCER, FAMILIAL; hereditary breast carcinoma; Hereditary breast cancer. Identifiers: Orphanet 227535, MedGen C0346153, MONDO:0016419, OMIM 114480. Disease mechanism: loss of function.

Submissions (4):

Labcorp Genetics (formerly Invitae), Labcorp
Classification: Likely benign for Familial cancer of breast. Last evaluated: 2021-11-24. Review status: criteria provided, single submitter. Criteria: Invitae Variant Classification Sherloc (09022015). Collection method: clinical testing. Allele origin: germline.

Color Diagnostics, LLC DBA Color Health
Classification: Likely benign for Hereditary cancer-predisposing syndrome. Last evaluated: 2021-06-21. Review status: criteria provided, single submitter. Criteria: ACMG Guidelines, 2015. Collection method: clinical testing. Allele origin: germline.

Ambry Genetics
Classification: Likely benign for Hereditary cancer-predisposing syndrome. Last evaluated: 2021-06-18. Review status: criteria provided, single submitter. Criteria: Ambry Variant Classification Scheme 2023. Collection method: clinical testing. Allele origin: germline.

GeneDx
Classification: Likely benign. Last evaluated: 2018-01-31. Review status: criteria provided, single submitter. Criteria: GeneDx Variant Classification (06012015). Collection method: clinical testing. Allele origin: germline. Affected: yes.
Comment: This variant is considered likely benign or benign based on one or more of the following criteria: it is a conservative change, it occurs at a poorly conserved position in the protein, it is predicted to be benign by multiple in silico algorithms, and/or has population frequency not consistent with disease.

NM_007194.4(CHEK2):c.615T>G (p.Thr205=)

Gene: CHEK2 (checkpoint kinase 2; minus strand). Cytogenetic location: 22q12.1.
Variant type: single nucleotide variant.
Coding change: c.615T>G on transcript NM_007194.4 (MANE Select); coding-DNA position 615, T replaced by G.
Protein change: p.Thr205=; no amino-acid change (threonine 205 retained).
Molecular consequence: synonymous variant. On other transcripts: 5 prime UTR variant (2), intron variant (1).
Genome position (GRCh38, 1-based): chr22:28,719,463, A>C on the plus strand (T>G on the coding strand, the complement: CHEK2 is on the minus strand). VCF-style: chr22-28719463-A-C. GRCh37 (hg19) VCF-style: chr22-29115451-A-C.
Other names: c.744T>G, p.Thr248= (NM_001005735.3, NM_001438294.1); c.-49T>G (NM_001257387.3, NM_001437942.1); c.708T>G, p.Thr236= (NM_001438293.1, NM_001438295.1); c.615T>G, p.Thr205= (NM_145862.3); c.482+5423T>G (NM_001349956.3).
Identifiers: ClinVar variation 515251 (VCV000515251.14), dbSNP rs1555924498, ClinGen allele CA513945266.